The following is an entry in ClinVar:

ClinVar aggregate classification (germline): Likely benign. Review status: criteria provided, multiple submitters, no conflicts (2 of 4 stars). 2 submissions from 2 submitters: Likely benign (2). Last evaluated 2026-01-05.

Conditions:
CNGB1-related disorder. Also called: CNGB1-related condition.

Allele frequency attached by ClinVar (database versions not stated): gnomAD 0.00001; gnomAD exomes 0.00002 and 0.00003; TOPMed 0.00004; ExAC 0.00005.
gnomAD v4.1: 31 of 1,614,052 alleles (0.0019%); highest among the groups gnomAD compares: East Asian, 0.016%; no homozygotes.

Submissions (2):

Labcorp Genetics (formerly Invitae), Labcorp
Classification: Likely benign. Last evaluated: 2026-01-05. Review status: criteria provided, single submitter. Criteria: Invitae Variant Classification Sherloc (09022015). Collection method: clinical testing. Allele origin: germline.

PreventionGenetics, part of Exact Sciences
Classification: Likely benign for CNGB1-related condition. Last evaluated: 2025-06-09. Review status: criteria provided, single submitter. Criteria: ACMG Guidelines, 2015. Collection method: clinical testing. Allele origin: germline.
Comment: This variant is classified as likely benign based on ACMG/AMP sequence variant interpretation guidelines (Richards et al. 2015 PMID: 25741868, with internal and published modifications).

NM_001297.5(CNGB1):c.3432G>A (p.Ala1144=)

Gene: CNGB1 (cyclic nucleotide gated channel subunit beta 1; minus strand). Cytogenetic location: 16q21.
Variant type: single nucleotide variant.
Coding change: c.3432G>A on transcript NM_001297.5 (MANE Select); coding-DNA position 3432, G replaced by A.
Protein change: p.Ala1144=; no amino-acid change (alanine 1144 retained).
Molecular consequence: synonymous variant.
Genome position (GRCh38, 1-based): chr16:57,887,885, C>T on the plus strand (G>A on the coding strand, the complement: CNGB1 is on the minus strand). VCF-style: chr16-57887885-C-T. GRCh37 (hg19) VCF-style: chr16-57921789-C-T.
Other names: c.3414G>A, p.Ala1138= (NM_001286130.2); c.3432G>A (NM_001297.4).
Identifiers: ClinVar variation 1664821 (VCV001664821.9), dbSNP rs755577473, ClinGen allele CA8082563.
Genomic context (GRCh38, chr16:57,887,885, plus strand): 5'-ACGTGGTGGCTGGGTTCCCAACCACATTACCTGTTCCACCAACTCTTGCTGCTTTGCAGC[C>T]GCCTCCAGCGCGGCCAGTTCTTTGAGCCGGGCCCGGAGGTGAGCAAGTTTGCCGCCTTTT-3'
Protein context (NP_001288.3, residues 1134-1154): ARLKELAALE[Ala1144=]AAKQQELVEQ